The following is an entry in ClinVar:

ClinVar aggregate classification (germline): Pathogenic (1 of 4 stars; one submission).

Conditions:
Familial cancer of breast. Also called: BREAST CANCER, FAMILIAL; Hereditary breast cancer; hereditary breast carcinoma. Identifiers: Orphanet 227535, MedGen C0346153, MONDO:0016419, OMIM 114480. Disease mechanism: loss of function.

Submission:

Labcorp Genetics (formerly Invitae), Labcorp
Classification: Pathogenic for Familial cancer of breast. Last evaluated: 2024-01-11. Review status: criteria provided, single submitter. Criteria: Invitae Variant Classification Sherloc (09022015). Collection method: clinical testing. Allele origin: unknown.
Comment: This variant is a gross deletion of the genomic region encompassing exon(s) 1-7 of the BARD1 gene, which includes the initiator codon. This deletion extends beyond the assayed region for this gene and therefore may encompass additional genes. It is expected to result in an absent or disrupted protein product. Loss-of-function variants in BARD1 are known to be pathogenic (PMID: 20077502, 21344236). This variant has not been reported in the literature in individuals affected with BARD1-related conditions. For these reasons, this variant has been classified as Pathogenic.

Literature cited by the submitters: PubMed 20077502; PubMed 21344236.

NC_000002.11:g.(?_215617151)_(215674293_?)del

Gene: BARD1 (BRCA1 associated RING domain 1; minus strand). Cytogenetic location: 2q35.
Variant type: Deletion.
Identifiers: ClinVar variation 3247172 (VCV003247172.1).